The following is an entry in ClinVar:

NM_000312.4(PROC):c.1084T>A (p.Phe362Ile)

Gene: PROC (protein C, inactivator of coagulation factors Va and VIIIa; plus strand). Cytogenetic location: 2q14.3.
Variant type: single nucleotide variant.
Coding change: c.1084T>A on transcript NM_000312.4 (MANE Select); coding-DNA position 1084, T replaced by A.
Protein change: p.Phe362Ile; replaces phenylalanine 362 with isoleucine.
Molecular consequence: missense variant.
Genome position (GRCh38, 1-based): chr2:127,428,644, T>A. VCF-style: chr2-127428644-T-A. GRCh37 (hg19) VCF-style: chr2-128186220-T-A.
Other names: c.1267T>A, p.Phe423Ile (NM_001375602.1); c.1249T>A, p.Phe417Ile (NM_001375603.1); c.1147T>A, p.Phe383Ile (NM_001375604.1); c.1186T>A, p.Phe396Ile (NM_001375605.1); c.1252T>A, p.Phe418Ile (NM_001375606.1); c.1270T>A, p.Phe424Ile (NM_001375607.1); c.1027T>A, p.Phe343Ile (NM_001375608.1); c.1060T>A, p.Phe354Ile (NM_001375609.1); and 2 more; short protein forms F343I, F354I, F360I, F362I, F383I, F396I, F417I, F418I.
Identifiers: ClinVar variation 1677267 (VCV001677267.2), dbSNP rs2104983099, ClinGen allele CA348405725.

ClinVar aggregate classification (germline): Uncertain significance (1 of 4 stars; one submission).

Conditions:
Thrombophilia due to protein C deficiency, autosomal dominant. Also called: PROC DEFICIENCY, AUTOSOMAL DOMINANT; PROTEIN C DEFICIENCY, AUTOSOMAL DOMINANT. Identifiers: Orphanet 745, MedGen C2674321, MONDO:0008316, OMIM 176860. Disease mechanism: loss of function.

Allele frequency attached by ClinVar (database versions not stated): gnomAD exomes below 0.00001.
gnomAD v4.1: 2 of 1,614,018 alleles (0.00012%); highest among the groups gnomAD compares: Non-Finnish European, 0.00017%; no homozygotes.

Submission:

ISTH-SSC Genomics in Thrombosis and Hemostasis, KU Leuven, Center for Molecular and Vascular Biology
Classification: Uncertain significance for Thrombophilia due to protein C deficiency, autosomal dominant. Review status: criteria provided, single submitter. Criteria: ACMG Guidelines, 2015. Collection method: clinical testing. Allele origin: germline. Affected: yes. Observed: 1 heterozygote.
Comment: Submitted to GoldVariant by Kathleen Freson, Center for Molecular and Vascular Biology, Leuven, Belgium